The following is an entry in ClinVar:

NM_000531.6(OTC):c.299-2A>G

Gene: OTC (ornithine transcarbamylase; plus strand). Cytogenetic location: Xp11.4.
Variant type: single nucleotide variant.
Coding change: c.299-2A>G on transcript NM_000531.6 (MANE Select); the canonical splice acceptor site of the intron before coding-DNA position 299, A replaced by G.
Molecular consequence: splice acceptor variant.
Genome position (GRCh38, 1-based): chrX:38,381,340, A>G. VCF-style: chrX-38381340-A-G. GRCh37 (hg19) VCF-style: chrX-38240593-A-G.
Other names: c.299-2A>G (NM_001407092.1).
Identifiers: ClinVar variation 1520164 (VCV001520164.7), dbSNP rs2147330536, ClinGen allele CA412718186.

ClinVar aggregate classification (germline): Likely pathogenic (1 of 4 stars; one submission).

Conditions:
Ornithine carbamoyltransferase deficiency (OTCD). Also called: OTC DEFICIENCY; ORNITHINE TRANSCARBAMYLASE DEFICIENCY, HYPERAMMONEMIA DUE TO; ORNITHINE TRANSCARBAMYLASE DEFICIENCY; Ornithine Carbamoyltransferase Deficiency Disease. Identifiers: Orphanet 664, MedGen C0268542, MONDO:0010703, OMIM 311250.

Submissions (2):

Labcorp Genetics (formerly Invitae), Labcorp
Classification: Likely pathogenic for Ornithine carbamoyltransferase deficiency. Last evaluated: 2021-12-01. Review status: criteria provided, single submitter. Criteria: Invitae Variant Classification Sherloc (09022015). Collection method: clinical testing. Allele origin: germline.
Comment: This variant has not been reported in the literature in individuals affected with OTC-related conditions. This variant is not present in population databases (gnomAD no frequency). This sequence change affects an acceptor splice site in intron 3 of the OTC gene. It is expected to disrupt RNA splicing. Variants that disrupt the donor or acceptor splice site typically lead to a loss of protein function (PMID: 16199547), and loss-of-function variants in OTC are known to be pathogenic (PMID: 10946359, 16786505). Algorithms developed to predict the effect of sequence changes on RNA splicing suggest that this variant may disrupt the consensus splice site. In summary, the currently available evidence indicates that the variant is pathogenic, but additional data are needed to prove that conclusively. Therefore, this variant has been classified as Likely Pathogenic.

Dr. Peter K. Rogan Lab, Western University
No classification provided (evidence only). Condition: Thyroid cancer, nonmedullary, 1. Review status: no classification provided. Collection method: in vitro. Allele origin: not applicable. Functional consequence: retained intron. Not counted in ClinVar's aggregate classification.

Literature cited by the submitters: PubMed 16199547 (cited by Labcorp Genetics (formerly Invitae), Labcorp); PubMed 10946359 (cited by Labcorp Genetics (formerly Invitae), Labcorp); PubMed 16786505 (cited by Labcorp Genetics (formerly Invitae), Labcorp).